The following continues an entry in ClinVar:

NM_000257.4(MYH7):c.5507C>T (p.Ser1836Leu)

Gene: MYH7. ClinVar aggregate classification (germline): Conflicting classifications of pathogenicity. Uncertain significance (13); Benign (1); Likely benign (1).

Submissions 14 to 16 of 16:

Illumina Laboratory Services, Illumina
Classification: Uncertain significance for Hypertrophic cardiomyopathy 1. Last evaluated: 2017-04-28. Review status: criteria provided, single submitter. Criteria: ICSL Variant Classification Criteria 13 December 2019. Collection method: clinical testing. Allele origin: germline.
Comment: This variant was observed as part of a predisposition screen in an ostensibly healthy population. A literature search was performed for the gene, cDNA change, and amino acid change (where applicable). Publications were found based on this search. However, the evidence from the literature, in combination with allele frequency data from public databases where available, was not sufficient to rule this variant in or out of causing disease. Therefore, this variant is classified as a variant of unknown significance.

Laboratory for Molecular Medicine, Mass General Brigham Personalized Medicine
Classification: Uncertain significance. Last evaluated: 2014-04-04. Review status: criteria provided, single submitter. Criteria: LMM Criteria. Collection method: clinical testing. Allele origin: germline. Observed: 2 variant alleles.
Comment: proposed classification - variant undergoing re-assessment, contact laboratory

Stanford Center for Inherited Cardiovascular Disease, Stanford University
Classification: Uncertain significance. Last evaluated: 2012-10-02. Review status: no assertion criteria provided. Collection method: clinical testing. Allele origin: germline. Observed: 1 variant allele. Not counted in ClinVar's aggregate classification.
Comment: Note this variant was found in clinical genetic testing performed by one or more labs who may also submit to ClinVar. Thus any internal case data may overlap with the internal case data of other labs. The interpretation reviewed below is that of the Stanford Center for Inherited Cardiovascular Disease. In silico analysis with HCM PolyPhen-2 predicts the variant to be pathogenic. The Ser at codon 1836 is conserved across mammalian species, as are neighboring amino acids. Other variants have been reported in association with disease at nearby codons (1829, 1832, 1846). In total the variant has not been seen in published controls and individuals from publicly available population datasets. There is no variation at codon 1836 listed in the NHLBI Exome Sequencing Project dataset, which currently includes variant calls on 6500 Caucasian and African American individuals (as of April 8, 2015). There is also no variation at this codon listed in dbSNP or 1000 genomes (as of April 8, 2015). There is variation at codon 1836 listed in the Exome Aggregation Consortium dataset, which currently includes variant calls on ~64,000 individuals of European, African, Latino and Asian descent (as of April 8, 2015). Eight individuals have missense variants at codon 1836 (six with S1836L and two with S1836W). Two individuals synonymous variation at that position. The Framingham cohort was included in EXAC, so it's likely that one of those six missense cases was likely from the individual above. There also happens to be missense variation (and one frameshift variant) at every codon from 1832-1836.

Literature cited by the submitters: PubMed 18403758 (cited by 7 submitters); PubMed 29540472 (cited by 3 submitters); PubMed 34495297 (cited by Women's Health and Genetics/Laboratory Corporation of America, LabCorp and Labcorp Genetics (formerly Invitae), Labcorp); PubMed 33495596 (cited by 4 submitters); PubMed 35629155 (cited by Women's Health and Genetics/Laboratory Corporation of America, LabCorp); PubMed 37652022 (cited by Women's Health and Genetics/Laboratory Corporation of America, LabCorp and Labcorp Genetics (formerly Invitae), Labcorp); PubMed 25741900 (cited by Lildballe Lab, Aarhus University Hospital); PubMed 39481677 (cited by Lildballe Lab, Aarhus University Hospital).